The following is an entry in ClinVar:

NM_014233.4(UBTF):c.1035G>T (p.Lys345Asn)

Genes: ATXN7L3-AS1 (ATXN7L3 antisense RNA 1; plus strand), UBTF (upstream binding transcription factor; minus strand). Cytogenetic location: 17q21.31.
Variant type: single nucleotide variant.
Coding change: c.1035G>T on transcript NM_014233.4 (MANE Select); coding-DNA position 1035, G replaced by T.
Protein change: p.Lys345Asn; replaces lysine 345 with asparagine.
Molecular consequence: missense variant. On other transcripts: non-coding transcript variant (1).
Genome position (GRCh38, 1-based): chr17:44,211,618, C>A on the plus strand (G>T on the coding strand, the complement: UBTF is on the minus strand). VCF-style: chr17-44211618-C-A. GRCh37 (hg19) VCF-style: chr17-42288986-C-A.
Other names: c.924G>T, p.Lys308Asn (NM_001076683.2, NM_001076684.3); short protein forms K308N, K345N.
Identifiers: ClinVar variation 4883375 (VCV004883375.2).
Genomic context (GRCh38, chr17:44,211,618, plus strand): 5'-CCTCATGCTTCAAAACCCCAAGGCAGGGTGGCCCCTGCCACAGCTCACCTGATCACACTT[C>A]TTGTGATAGGCGTCCTTCTCCTTCTGGGACAGCAGCTTCCACTGCTGGCTGCACAGCACC-3'
Protein context (NP_055048.1, residues 335-355): LSQKEKDAYH[Lys345Asn]KCDQKKKDYE

ClinVar aggregate classification (germline): Uncertain significance (1 of 4 stars; one submission).

Conditions:
Childhood-onset motor and cognitive regression syndrome with extrapyramidal movement disorder. Also called: NEURODEGENERATION, CHILDHOOD-ONSET, WITH BRAIN ATROPHY. Identifiers: Orphanet 500180, MedGen C4540086, MONDO:0044701, OMIM 617672.

Submission:

Dasa
Classification: Uncertain significance for Childhood-onset motor and cognitive regression syndrome with extrapyramidal movement disorder. Last evaluated: 2025-09-02. Review status: criteria provided, single submitter. Criteria: DASA Assertion Criteria. Collection method: clinical testing. Allele origin: germline.
Comment: NM_014233.4(UBTF):c.1035G>T (p.Lys345Asn) is a missense variant that results in the substitution of lysine with asparagine. This variant is absent from population databases. Computational prediction algorithms are consistent with a benign effect. The currently available literature and clinical evidence are not sufficient to establish a definitive association between this variant and the reported condition. Therefore, this variant is classified as a variant of uncertain significance.